The following is an entry in ClinVar:

NM_014055.4(IFT81):c.461T>C (p.Leu154Ser)

Gene: IFT81 (intraflagellar transport 81; plus strand). Cytogenetic location: 12q24.11.
Variant type: single nucleotide variant.
Coding change: c.461T>C on transcript NM_014055.4 (MANE Select); coding-DNA position 461, T replaced by C.
Protein change: p.Leu154Ser; replaces leucine 154 with serine.
Molecular consequence: missense variant. On other transcripts: 5 prime UTR variant (2), non-coding transcript variant (3).
Genome position (GRCh38, 1-based): chr12:110,132,578, T>C. VCF-style: chr12-110132578-T-C. GRCh37 (hg19) VCF-style: chr12-110570383-T-C.
Other names: c.461T>C, p.Leu154Ser (NM_001143779.2, NM_001347946.2, NM_031473.4); c.-306T>C (NM_001347947.2, NM_001347948.2); c.461T>C (NM_014055.3); short protein forms L154S.
Identifiers: ClinVar variation 1397065 (VCV001397065.6), dbSNP rs748848392, ClinGen allele CA6783088.

ClinVar aggregate classification (germline): Uncertain significance. Review status: criteria provided, multiple submitters, no conflicts (2 of 4 stars). 2 submissions from 2 submitters: Uncertain significance (2). Last evaluated 2025-06-07.

Conditions:
Inborn genetic diseases. Identifiers: MedGen C0950123, MeSH D030342.

Allele frequency attached by ClinVar (database versions not stated): ExAC 0.00001; gnomAD exomes 0.00001 and 0.00003.
gnomAD v4.1: 35 of 1,574,074 alleles (0.0022%); highest among the groups gnomAD compares: Non-Finnish European, 0.003%; no homozygotes.

Submissions (2):

Ambry Genetics
Classification: Uncertain significance for Inborn genetic diseases. Last evaluated: 2025-06-07. Review status: criteria provided, single submitter. Criteria: Ambry Variant Classification Scheme 2023. Collection method: clinical testing. Allele origin: germline.

Labcorp Genetics (formerly Invitae), Labcorp
Classification: Uncertain significance. Last evaluated: 2021-08-28. Review status: criteria provided, single submitter. Criteria: Invitae Variant Classification Sherloc (09022015). Collection method: clinical testing. Allele origin: germline.
Comment: This sequence change replaces leucine with serine at codon 154 of the IFT81 protein (p.Leu154Ser). The leucine residue is moderately conserved and there is a large physicochemical difference between leucine and serine. This variant is present in population databases (rs748848392, ExAC 0.002%). This variant has not been reported in the literature in individuals affected with IFT81-related conditions. Algorithms developed to predict the effect of missense changes on protein structure and function are either unavailable or do not agree on the potential impact of this missense change (SIFT: "Deleterious"; PolyPhen-2: "Benign"; Align-GVGD: "Class C35"). In summary, the available evidence is currently insufficient to determine the role of this variant in disease. Therefore, it has been classified as a Variant of Uncertain Significance.